The following is an entry in ClinVar:

NM_004937.3(CTNS):c.139_140+11del

Gene: CTNS (cystinosin, lysosomal cystine transporter; plus strand). Cytogenetic location: 17p13.2.
Variant type: Deletion.
Coding change: c.139_140+11del on transcript NM_004937.3 (MANE Select); coding-DNA position 139 through 11 bases into the intron after coding-DNA position 140, 13 bases deleted (CGGTAAGTTCCTG).
Molecular consequence: splice donor variant. On other transcripts: intron variant (1).
Genome position (GRCh38, 1-based): chr17:3,647,521-3,647,533, CGGTAAGTTCCTG deleted; deleting any 13 consecutive bases within chr17:3,647,517-3,647,533 gives the same sequence; the c. name uses the placement nearest the transcript's 3' end. VCF-style (leftmost placement, unchanged base first): chr17-3647516-CCCTGCGGTAAGTT-C. GRCh37 (hg19) VCF-style: chr17-3550810-CCCTGCGGTAAGTT-C.
Other names: c.139_140+11del (NM_001031681.3, NM_001374492.1); c.-218_-217+11del (NM_001374493.1, NM_001374496.1); c.-217+7254_-217+7266del (NM_001374495.1); c.-303_-302+11del (NM_001374494.1).
Identifiers: ClinVar variation 5018771 (VCV005018771.1).

ClinVar aggregate classification (germline): Likely pathogenic (1 of 4 stars; one submission).

Conditions:
Nephropathic cystinosis (CTNS). Also called: CYSTINOSIN, DEFECT OF; LYSOSOMAL CYSTINE TRANSPORT PROTEIN, DEFECT OF; Abderhalden Lignac Kaufmann disease; Abderhalden-Kaufmann-Lignac syndrome. Identifiers: Orphanet 213, Orphanet 411629, MedGen C2931187, MONDO:0100151, OMIM 219800.
Ocular cystinosis. Also called: Non-Nephropathic Cystinosis; Non-Nephropathic (Ocular) Cystinosis. Identifiers: Orphanet 213, Orphanet 411641, MedGen C2931013, MONDO:0009064, OMIM 219750.
Juvenile nephropathic cystinosis. Also called: CYSTINOSIS, LATE-ONSET JUVENILE OR ADOLESCENT NEPHROPATHIC TYPE; Intermediate Cystinosis; Later-Onset (Juvenile) Cystinosis. Identifiers: Orphanet 213, Orphanet 411634, MedGen C0268626, MONDO:0009066, OMIM 219900.

Submission:

Juno Genomics, Hangzhou Juno Genomics, Inc
Classification: Likely pathogenic for Nephropathic cystinosis; Juvenile nephropathic cystinosis; Ocular cystinosis. Review status: criteria provided, single submitter. Criteria: ACMG Guidelines, 2015. Collection method: clinical testing. Allele origin: germline. Affected: yes.
Comment: Absent from controls (or at extremely low frequency if recessive) in Genome Aggregation Database.;Null variant in a gene where loss of function (LOF) is a known mechanism of disease.